The following is an entry in ClinVar:

NM_001035.3(RYR2):c.4130C>T (p.Ala1377Val)

Genes: RYR2 (ryanodine receptor 2; plus strand), LOC126806067 (BRD4-independent group 4 enhancer GRCh37_chr1:237753258-237754457; plus strand). Cytogenetic location: 1q43.
Variant type: single nucleotide variant.
Coding change: c.4130C>T on transcript NM_001035.3 (MANE Select); coding-DNA position 4130, C replaced by T.
Protein change: p.Ala1377Val; replaces alanine 1377 with valine.
Molecular consequence: missense variant.
Genome position (GRCh38, 1-based): chr1:237,590,962, C>T. VCF-style: chr1-237590962-C-T. GRCh37 (hg19) VCF-style: chr1-237754262-C-T.
Other names: c.4130C>T (NM_001035.2); short protein forms A1377V.
Identifiers: ClinVar variation 2203007 (VCV002203007.6), dbSNP rs1312173407, ClinGen allele CA345397848.

ClinVar aggregate classification (germline): Uncertain significance. Review status: criteria provided, multiple submitters, no conflicts (2 of 4 stars). 3 submissions from 3 submitters: Uncertain significance (3). Last evaluated 2025-03-30.

Conditions:
Catecholaminergic polymorphic ventricular tachycardia 1. Also called: VENTRICULAR TACHYCARDIA, STRESS-INDUCED POLYMORPHIC 1; VENTRICULAR TACHYCARDIA, CATECHOLAMINERGIC POLYMORPHIC, 1, WITH OR WITHOUT ATRIAL DYSFUNCTION AND/OR DILATED CARDIOMYOPATHY; RYR2-Related Catecholaminergic Polymorphic Ventricular Tachycardia. Identifiers: Orphanet 3286, MedGen C1631597, MONDO:0011484, OMIM 604772.
Cardiovascular phenotype. Identifiers: MedGen CN230736.
Cardiomyopathy (CMYO). Also called: Cardiomyopathies. Identifiers: Orphanet 167848, MedGen C0878544, MONDO:0004994, HP:0001638. Inheritance: Various modes of inheritance.

Allele frequency attached by ClinVar (database versions not stated): TOPMed below 0.00001.
gnomAD v4.1: 14 of 1,612,942 alleles (0.00087%); highest among the groups gnomAD compares: Non-Finnish European, 0.001%; no homozygotes.

Submissions (3):

Labcorp Genetics (formerly Invitae), Labcorp
Classification: Uncertain significance for Catecholaminergic polymorphic ventricular tachycardia 1. Last evaluated: 2025-03-30. Review status: criteria provided, single submitter. Criteria: Invitae Variant Classification Sherloc (09022015). Collection method: clinical testing. Allele origin: germline.
Comment: This sequence change replaces alanine, which is neutral and non-polar, with valine, which is neutral and non-polar, at codon 1377 of the RYR2 protein (p.Ala1377Val). This variant is present in population databases (no rsID available, gnomAD 0.004%). This missense change has been observed in individual(s) with sudden arrhythmic death syndrome (PMID: 28449774). ClinVar contains an entry for this variant (Variation ID: 2203007). Invitae Evidence Modeling of protein sequence and biophysical properties (such as structural, functional, and spatial information, amino acid conservation, physicochemical variation, residue mobility, and thermodynamic stability) indicates that this missense variant is not expected to disrupt RYR2 protein function with a negative predictive value of 95%. In summary, the available evidence is currently insufficient to determine the role of this variant in disease. Therefore, it has been classified as a Variant of Uncertain Significance.

Ambry Genetics
Classification: Uncertain significance for Cardiovascular phenotype. Last evaluated: 2024-02-22. Review status: criteria provided, single submitter. Criteria: Ambry Variant Classification Scheme 2023. Collection method: clinical testing. Allele origin: germline.
Comment: The p.A1377V variant (also known as c.4130C>T), located in coding exon 31 of the RYR2 gene, results from a C to T substitution at nucleotide position 4130. The alanine at codon 1377 is replaced by valine, an amino acid with similar properties. This amino acid position is not well conserved in available vertebrate species. In addition, the in silico prediction for this alteration is inconclusive. Based on the available evidence, the clinical significance of this alteration remains unclear.

Color Diagnostics, LLC DBA Color Health
Classification: Uncertain significance for Cardiomyopathy. Last evaluated: 2022-07-07. Review status: criteria provided, single submitter. Criteria: ACMG Guidelines, 2015. Collection method: clinical testing. Allele origin: germline.
Comment: This missense variant replaces alanine with valine at codon 1377 of the RYR2 protein. Computational prediction suggests that this variant may not impact protein structure and function (internally defined REVEL score threshold <= 0.5, PMID: 27666373). To our knowledge, functional studies have not been reported for this variant. This variant has been reported in an individual affected with sudden arrhythmic death syndrome (PMID: 28449774). This variant has been identified in 2/246680 chromosomes in the general population by the Genome Aggregation Database (gnomAD). The available evidence is insufficient to determine the role of this variant in disease conclusively. Therefore, this variant is classified as a Variant of Uncertain Significance.

Literature cited by the submitters: PubMed 28449774 (cited by 3 submitters).